The following is an entry in ClinVar:

ClinVar aggregate classification (germline): Uncertain significance (1 of 4 stars; one submission).

Conditions:
Inborn genetic diseases. Identifiers: MedGen C0950123, MeSH D030342.

Submission:

Ambry Genetics
Classification: Uncertain significance for Inborn genetic diseases. Last evaluated: 2026-07-03. Review status: criteria provided, single submitter. Criteria: Ambry Variant Classification Scheme 2023. Collection method: clinical testing. Allele origin: germline.
Comment: The c.337C>T (p.R113C) alteration is located in exon 1 (coding exon 1) of the BHLHA9 gene. This alteration results from a C to T substitution at nucleotide position 337, causing the arginine (R) at amino acid position 113 to be replaced by a cysteine (C). Based on data from gnomAD, the T allele has an overall frequency of <0.001% (0/61352) total alleles studied. The highest observed frequency was <0.001% (/) of alleles. Based on insufficient or conflicting evidence, the clinical significance of this alteration remains unclear.

NM_001164405.2(BHLHA9):c.337C>T (p.Arg113Cys)

Gene: BHLHA9 (basic helix-loop-helix family member a9; plus strand). Cytogenetic location: 17p13.3.
Variant type: single nucleotide variant.
Coding change: c.337C>T on transcript NM_001164405.2 (MANE Select); coding-DNA position 337, C replaced by T.
Protein change: p.Arg113Cys; replaces arginine 113 with cysteine.
Molecular consequence: missense variant.
Genome position (GRCh38, 1-based): chr17:1,270,900, C>T. VCF-style: chr17-1270900-C-T. GRCh37 (hg19) VCF-style: chr17-1174194-C-T.
Other names: short protein forms R113C.
Identifiers: ClinVar variation 3260847 (VCV003260847.2).